The following is an entry in ClinVar:

ClinVar aggregate classification (germline): Uncertain significance. Review status: criteria provided, single submitter (1 of 4 stars). 2 submissions from 2 submitters: Uncertain significance (1). 1 of the submissions does not count toward it. Last evaluated 2022-04-18.

Conditions:
Congenital secretory diarrhea, chloride type (DIAR1). Also called: DIARRHEA 1, SECRETORY CHLORIDE, CONGENITAL; CHLORIDORRHEA, CONGENITAL; CHLORIDE DIARRHEA, CONGENITAL, FINNISH TYPE. Identifiers: Orphanet 53689, MedGen C0267662, MONDO:0008964, OMIM 214700.

Submissions (2):

Labcorp Genetics (formerly Invitae), Labcorp
Classification: Uncertain significance. Last evaluated: 2022-04-18. Review status: criteria provided, single submitter. Criteria: Invitae Variant Classification Sherloc (09022015). Collection method: clinical testing. Allele origin: germline.
Comment: This variant, c.1579_1581del, results in the deletion of 1 amino acid(s) of the SLC26A3 protein (p.Tyr527del), but otherwise preserves the integrity of the reading frame. This variant is present in population databases (rs386833464, gnomAD 0.02%). This variant has been observed in individual(s) with congenital chloride diarrhea (PMID: 9554749). ClinVar contains an entry for this variant (Variation ID: 55982). Algorithms developed to predict the effect of variants on protein structure and function are not available or were not evaluated for this variant. Experimental studies are conflicting or provide insufficient evidence to determine the effect of this variant on SLC26A3 function (PMID: 18216024). In summary, the available evidence is currently insufficient to determine the role of this variant in disease. Therefore, it has been classified as a Variant of Uncertain Significance.

Juha Muilu Group; Institute for Molecular Medicine Finland (FIMM)
Classification: Likely pathogenic for Congenital secretory diarrhea, chloride type. Review status: no assertion criteria provided. Collection method: not provided. Allele origin: unknown. Not counted in ClinVar's aggregate classification.
Comment: FinDis database variant: This variant was not found or characterized by our laboratory, data were collected from public sources: see reference
ClinVar note: Converted during submission from probable-pathogenic to Likely pathogenic.

Literature cited by the submitters: PubMed 9554749 (cited by Labcorp Genetics (formerly Invitae), Labcorp); PubMed 18216024 (cited by Labcorp Genetics (formerly Invitae), Labcorp).

NM_000111.3(SLC26A3):c.1576TAT[1] (p.Tyr527del)

Gene: SLC26A3 (solute carrier family 26 member 3; minus strand). Cytogenetic location: 7q22.3.
Variant type: Microsatellite.
Coding change: c.1576TAT[1] on transcript NM_000111.3 (MANE Select); one copy of the 3-base unit TAT starting at c.1576; the reference has two copies in a row; one copy, 3 bases deleted.
Protein change: p.Tyr527del; deletes tyrosine 527.
Molecular consequence: inframe deletion.
Genome position (GRCh38, 1-based): chr7:107,776,640-107,776,642, ATA deleted on the plus strand (TAT on the coding strand, the reverse complement: SLC26A3 is on the minus strand); deleting any 3 consecutive bases within chr7:107,776,640-107,776,647 gives the same sequence; the position shown is the placement nearest the transcript's 3' end. VCF-style (leftmost placement, unchanged base first): chr7-107776639-CATA-C. GRCh37 (hg19) VCF-style: chr7-107417084-CATA-C.
Other names: c.1579_1581delTAT (NM_000111.2); short protein forms Y527del.
Identifiers: ClinVar variation 55982 (VCV000055982.4), dbSNP rs386833464, ClinGen allele CA144069.